The following is an entry in ClinVar:

NM_020693.4(DSCAML1):c.3598G>A (p.Val1200Ile)

Gene: DSCAML1 (DS cell adhesion molecule like 1; minus strand). Cytogenetic location: 11q23.3.
Variant type: single nucleotide variant.
Coding change: c.3598G>A on transcript NM_020693.4 (MANE Select); coding-DNA position 3598, G replaced by A.
Protein change: p.Val1200Ile; replaces valine 1200 with isoleucine.
Molecular consequence: missense variant.
Genome position (GRCh38, 1-based): chr11:117,450,659, C>T on the plus strand (G>A on the coding strand, the complement: DSCAML1 is on the minus strand). VCF-style: chr11-117450659-C-T. GRCh37 (hg19) VCF-style: chr11-117321375-C-T.
Other names: c.3778G>A (NM_020693.2); short protein forms V1200I.
Identifiers: ClinVar variation 3020818 (VCV003020818.4), dbSNP rs923214901, ClinGen allele CA229359047.
Genomic context (GRCh38, chr11:117,450,659, plus strand): 5'-CCCCGTTGGGCTTGGTAGGGGGGAGCCAAGACACAACCACACTGCTAGCTGATGAAGGGA[C>T]AGCTTTGATGCCAGCAGGGGGACCTGGAACTGAGCAGGGAGAAGGCCTGGTCAGTTGAGA-3'
Protein context (NP_065744.3, residues 1190-1210): VPGPPAGIKA[Val1200Ile]PSSASSVVVS

ClinVar aggregate classification (germline): Uncertain significance. Review status: criteria provided, multiple submitters, no conflicts (2 of 4 stars). 2 submissions from 2 submitters: Uncertain significance (2). Last evaluated 2024-02-02.

Allele frequency attached by ClinVar (database versions not stated): gnomAD exomes below 0.00001; gnomAD 0.00001; TOPMed 0.00001.
gnomAD v4.1: 7 of 1,614,004 alleles (0.00043%); highest among the groups gnomAD compares: South Asian, 0.0022%; no homozygotes.

Submissions (2):

Ambry Genetics
Classification: Uncertain significance. Last evaluated: 2024-02-02. Review status: criteria provided, single submitter. Criteria: Ambry Variant Classification Scheme 2023. Collection method: clinical testing. Allele origin: germline.

Labcorp Genetics (formerly Invitae), Labcorp
Classification: Uncertain significance. Last evaluated: 2022-12-14. Review status: criteria provided, single submitter. Criteria: Invitae Variant Classification Sherloc (09022015). Collection method: clinical testing. Allele origin: germline.
Comment: In summary, the available evidence is currently insufficient to determine the role of this variant in disease. Therefore, it has been classified as a Variant of Uncertain Significance. Algorithms developed to predict the effect of missense changes on protein structure and function (SIFT, PolyPhen-2, Align-GVGD) all suggest that this variant is likely to be tolerated. This variant has not been reported in the literature in individuals affected with DSCAML1-related conditions. This variant is not present in population databases (gnomAD no frequency). This sequence change replaces valine, which is neutral and non-polar, with isoleucine, which is neutral and non-polar, at codon 1260 of the DSCAML1 protein (p.Val1260Ile).